The following is an entry in ClinVar:

NM_000245.4(MET):c.2583+3A>G

Gene: MET (MET proto-oncogene, receptor tyrosine kinase; plus strand). Cytogenetic location: 7q31.2.
Variant type: single nucleotide variant.
Coding change: c.2583+3A>G on transcript NM_000245.4 (MANE Select); 3 bases into the intron after coding-DNA position 2583, A replaced by G.
Molecular consequence: intron variant.
Genome position (GRCh38, 1-based): chr7:116,763,271, A>G. VCF-style: chr7-116763271-A-G. GRCh37 (hg19) VCF-style: chr7-116403325-A-G.
Other names: c.2637+3A>G (NM_001127500.3); c.1293+3A>G (NM_001324402.2); c.2583+3A>G (NM_001324401.3).
Identifiers: ClinVar variation 1363576 (VCV001363576.6), dbSNP rs781401324, ClinGen allele CA4448504.

ClinVar aggregate classification (germline): Uncertain significance (1 of 4 stars; one submission).

Conditions:
Renal cell carcinoma. Identifiers: Orphanet 217071, MedGen C0007134, MeSH D002292, MONDO:0005086, HP:0005584.

Allele frequency attached by ClinVar (database versions not stated): gnomAD exomes below 0.00001; ExAC 0.00001.
gnomAD v4.1: 1 of 1,612,154 alleles (0.000062%); no homozygotes.

Submission:

Labcorp Genetics (formerly Invitae), Labcorp
Classification: Uncertain significance for Renal cell carcinoma. Last evaluated: 2021-04-26. Review status: criteria provided, single submitter. Criteria: Invitae Variant Classification Sherloc (09022015). Collection method: clinical testing. Allele origin: germline.
Comment: This sequence change falls in intron 11 of the MET gene. It does not directly change the encoded amino acid sequence of the MET protein. It affects a nucleotide within the consensus splice site of the intron. The frequency data for this variant in the population databases is considered unreliable, as metrics indicate poor data quality at this position in the ExAC database. This variant has not been reported in the literature in individuals with MET-related conditions. Nucleotide substitutions within the consensus splice site are a relatively common cause of aberrant splicing (PMID: 17576681, 9536098). Algorithms developed to predict the effect of sequence changes on RNA splicing suggest that this variant may disrupt the consensus splice site, but this prediction has not been confirmed by published transcriptional studies. In summary, the available evidence is currently insufficient to determine the role of this variant in disease. Therefore, it has been classified as a Variant of Uncertain Significance.

Literature cited by the submitters: PubMed 17576681; PubMed 9536098.